The following is an entry in ClinVar:

ClinVar aggregate classification (germline): Uncertain significance (1 of 4 stars; one submission).

Conditions:
Dextro-looped transposition of the great arteries. Also called: Dextrotransposition of the great arteries. Identifiers: Orphanet 860, MedGen C3531771, MONDO:0019443, OMIM 608808, HP:0031348.

Submission:

Labcorp Genetics (formerly Invitae), Labcorp
Classification: Uncertain significance for Dextro-looped transposition of the great arteries. Last evaluated: 2023-08-24. Review status: criteria provided, single submitter. Criteria: Invitae Variant Classification Sherloc (09022015). Collection method: clinical testing. Allele origin: germline.
Comment: In summary, the available evidence is currently insufficient to determine the role of this variant in disease. Therefore, it has been classified as a Variant of Uncertain Significance. Advanced modeling of protein sequence and biophysical properties (such as structural, functional, and spatial information, amino acid conservation, physicochemical variation, residue mobility, and thermodynamic stability) performed at Invitae indicates that this missense variant is not expected to disrupt MED13L protein function. ClinVar contains an entry for this variant (Variation ID: 2199070). This variant has not been reported in the literature in individuals affected with MED13L-related conditions. This variant is not present in population databases (gnomAD no frequency). This sequence change replaces glycine, which is neutral and non-polar, with arginine, which is basic and polar, at codon 1613 of the MED13L protein (p.Gly1613Arg).

NM_015335.5(MED13L):c.4837G>A (p.Gly1613Arg)

Gene: MED13L (mediator complex subunit 13L; minus strand). Cytogenetic location: 12q24.21.
Variant type: single nucleotide variant.
Coding change: c.4837G>A on transcript NM_015335.5 (MANE Select); coding-DNA position 4837, G replaced by A.
Protein change: p.Gly1613Arg; replaces glycine 1613 with arginine.
Molecular consequence: missense variant.
Genome position (GRCh38, 1-based): chr12:115,983,235, C>T on the plus strand (G>A on the coding strand, the complement: MED13L is on the minus strand). VCF-style: chr12-115983235-C-T. GRCh37 (hg19) VCF-style: chr12-116421040-C-T.
Other names: short protein forms G1613R.
Identifiers: ClinVar variation 2199070 (VCV002199070.4), dbSNP rs2499826477, ClinGen allele CA386882667.